The following is an entry in ClinVar:

NC_000021.8:g.(?_45725202)_(46131429_?)dup

Genes: CFAP410 (cilia and flagella associated protein 410; minus strand), KRTAP10-1 (keratin associated protein 10-1; minus strand), KRTAP10-10 (keratin associated protein 10-10; plus strand), KRTAP10-11 (keratin associated protein 10-11; plus strand), KRTAP10-12 (keratin associated protein 10-12; plus strand) and 16 more. Cytogenetic location: 21q22.3.
Variant type: Duplication.
Identifiers: ClinVar variation 833361 (VCV000833361.1).

ClinVar aggregate classification (germline): Uncertain significance (1 of 4 stars; one submission).

Submission:

Labcorp Genetics (formerly Invitae), Labcorp
Classification: Uncertain significance. Last evaluated: 2019-10-07. Review status: criteria provided, single submitter. Criteria: Invitae Variant Classification Sherloc (09022015). Collection method: clinical testing. Allele origin: germline.
Comment: This variant results in a copy number gain of the genomic region encompassing the full coding sequence of the CFAP410 gene. The boundaries of this event are unknown as they extend beyond the assayed region for this gene and therefore may encompass additional genes. As the precise location of this event is unknown, it may be in tandem or it may be located elsewhere in the genome. This variant has not been reported in the literature in individuals with CFAP410-related conditions. In summary, the available evidence is currently insufficient to determine the role of this variant in disease. Therefore, it has been classified as a Variant of Uncertain Significance.